The following is an entry in ClinVar:

NC_012920.1(MT-TS1):m.7472A>T

Gene: MT-TS1 (mitochondrially encoded tRNA serine 1 (UCN); minus strand).
Variant type: single nucleotide variant.
Genome position: chrM-7472-A-T.
Identifiers: ClinVar variation 505297 (VCV000505297.5), dbSNP rs1556423293, ClinGen allele CA658799931.

ClinVar aggregate classification (germline): Benign/Likely benign. Review status: criteria provided, multiple submitters, no conflicts (2 of 4 stars). 2 submissions from 2 submitters: Benign (1); Likely benign (1). Last evaluated 2019-07-12.

Conditions:
MELAS syndrome (MELAS). Also called: Juvenile myopathy, encephalopathy, lactic acidosis, stroke. Identifiers: Orphanet 550, MedGen C0162671, MONDO:0010789, OMIM 540000.

Submissions (2):

Wong Mito Lab, Molecular and Human Genetics, Baylor College of Medicine
Classification: Benign for MELAS syndrome. Last evaluated: 2019-07-12. Review status: criteria provided, single submitter. Criteria: Modified ACMG Guidelines (Unpublished). Collection method: clinical testing. Allele origin: germline.
Comment: The NC_012920.1:m.7472A>T variant in MT-TS1 gene is interpreted to be a Benign variant based on the modified ACMG guidelines (unpublished). This variant meets the following evidence codes reported in the guidelines: BS1, BS2, BP4

Laboratory for Molecular Medicine, Mass General Brigham Personalized Medicine
Classification: Likely benign. Last evaluated: 2016-08-24. Review status: criteria provided, single submitter. Criteria: LMM Criteria. Collection method: clinical testing. Allele origin: germline. Observed: 1 variant allele.
Comment: m.7472A>T in MTTS1: This variant is not expected to have clinical significance b ecause it has been identified in all individuals from haplotype H7g (5/5) as rep orted in MitoMap. In addition, this variant was reporte d in 1 individual with a suspected mitochondrial disease, but was also detected in the individual's asymptomatic mother. Both the individual and their mother w ere homoplasmic for the variant and belonged to mtDNA haplogroup H (Tang 2013). Furthermore, the nucleotide at position m.7472 is not conserved with >10 specie s, including 3 mammals (Bactrian camel, cat, Cape golden mole) having a T at thi s position. Collectively, this data supports that the variant is likely benign.

Literature cited by the submitters: PubMed 31965079 (cited by Wong Mito Lab, Molecular and Human Genetics, Baylor College of Medicine); PubMed 23463613 (cited by Laboratory for Molecular Medicine, Mass General Brigham Personalized Medicine).